The following is an entry in ClinVar:

NM_017671.5(FERMT1):c.370dup (p.Ile124fs)

Gene: FERMT1 (FERM domain containing kindlin 1; minus strand). Cytogenetic location: 20p12.3.
Variant type: Duplication.
Coding change: c.370dup on transcript NM_017671.5 (MANE Select); coding-DNA position 370, one base duplicated (A; older notation c.370dupA).
Protein change: p.Ile124fs; shifts the reading frame from isoleucine 124.
Molecular consequence: frameshift variant.
Genome position (GRCh38, 1-based): chr20:6,115,826, T duplicated on the plus strand (A on the coding strand, the reverse complement: FERMT1 is on the minus strand). VCF-style (leftmost placement, unchanged base first): chr20-6115825-A-AT. GRCh37 (hg19) VCF-style: chr20-6096472-A-AT.
Other names: short protein forms I124fs.
Identifiers: ClinVar variation 3624646 (VCV003624646.2).

ClinVar aggregate classification (germline): Pathogenic (1 of 4 stars; one submission).

Submission:

Labcorp Genetics (formerly Invitae), Labcorp
Classification: Pathogenic. Last evaluated: 2024-03-02. Review status: criteria provided, single submitter. Criteria: Invitae Variant Classification Sherloc (09022015). Collection method: clinical testing. Allele origin: germline.
Comment: This sequence change creates a premature translational stop signal (p.Ile124Asnfs*8) in the FERMT1 gene. It is expected to result in an absent or disrupted protein product. Loss-of-function variants in FERMT1 are known to be pathogenic (PMID: 14962093, 21936020). This variant is not present in population databases (gnomAD no frequency). This variant has not been reported in the literature in individuals affected with FERMT1-related conditions. For these reasons, this variant has been classified as Pathogenic.

Literature cited by the submitters: PubMed 14962093; PubMed 21936020.